The following is an entry in ClinVar:

NM_001304438.2(TMEM132E):c.2115C>G (p.Ser705Arg)

Gene: TMEM132E (transmembrane protein 132E; plus strand). Cytogenetic location: 17q12.
Variant type: single nucleotide variant.
Coding change: c.2115C>G on transcript NM_001304438.2 (MANE Select); coding-DNA position 2115, C replaced by G.
Protein change: p.Ser705Arg; replaces serine 705 with arginine.
Molecular consequence: missense variant.
Genome position (GRCh38, 1-based): chr17:34,636,144, C>G. VCF-style: chr17-34636144-C-G. GRCh37 (hg19) VCF-style: chr17-32963163-C-G.
Other names: short protein forms S705R.
Identifiers: ClinVar variation 2116590 (VCV002116590.4), dbSNP rs750281523, ClinGen allele CA8496897.

ClinVar aggregate classification (germline): Uncertain significance (1 of 4 stars; one submission).

Allele frequency attached by ClinVar (database versions not stated): ExAC 0.00002; TOPMed 0.00002.
gnomAD v4.1: 2 of 1,583,528 alleles (0.00013%); highest among the groups gnomAD compares: East Asian, 0.0048%; no homozygotes.

Submission:

Labcorp Genetics (formerly Invitae), Labcorp
Classification: Uncertain significance. Last evaluated: 2022-03-25. Review status: criteria provided, single submitter. Criteria: Invitae Variant Classification Sherloc (09022015). Collection method: clinical testing. Allele origin: germline.
Comment: This variant is present in population databases (rs750281523, gnomAD 0.02%). In summary, the available evidence is currently insufficient to determine the role of this variant in disease. Therefore, it has been classified as a Variant of Uncertain Significance. Algorithms developed to predict the effect of missense changes on protein structure and function are either unavailable or do not agree on the potential impact of this missense change (SIFT: "Tolerated"; PolyPhen-2: "Not Available"; Align-GVGD: "Class C0"). This variant has not been reported in the literature in individuals affected with TMEM132E-related conditions. This sequence change replaces serine, which is neutral and polar, with arginine, which is basic and polar, at codon 705 of the TMEM132E protein (p.Ser705Arg).